The following is an entry in ClinVar:

NM_152419.3(HGSNAT):c.253G>A (p.Val85Ile)

Gene: HGSNAT (heparan-alpha-glucosaminide N-acetyltransferase; plus strand). Cytogenetic location: 8p11.21.
Variant type: single nucleotide variant.
Coding change: c.253G>A on transcript NM_152419.3 (MANE Select); coding-DNA position 253, G replaced by A.
Protein change: p.Val85Ile; replaces valine 85 with isoleucine.
Molecular consequence: missense variant. On other transcripts: 5 prime UTR variant (1).
Genome position (GRCh38, 1-based): chr8:43,158,593, G>A. VCF-style: chr8-43158593-G-A. GRCh37 (hg19) VCF-style: chr8-43013736-G-A.
Other names: c.253G>A, p.Val85Ile (NM_001363227.2, NM_001363228.2); c.-581G>A (NM_001363229.2); c.253G>A (NM_152419.2); short protein forms V85I.
Identifiers: ClinVar variation 2188800 (VCV002188800.2), dbSNP rs1185589534, ClinGen allele CA371125060.
Genomic context (GRCh38, chr8:43,158,593, plus strand): 5'-GAAAAACCTCTGGCGGTTGACCTGTTGTGCTTTTATTTACAGTGCTTGTTTCAGGTTCTG[G>A]TAAACGTTCCTCAGAGTCCAAAAGCAGGGAAGCCTAGTGCTGCAGCTGCCTCTGTCAGCA-3'
Protein context (NP_689632.2, residues 75-95): CCYHCLFQVL[Val85Ile]NVPQSPKAGK

ClinVar aggregate classification (germline): Uncertain significance. Review status: criteria provided, multiple submitters, no conflicts (2 of 4 stars). 2 submissions from 2 submitters: Uncertain significance (2). Last evaluated 2025-10-07.

Conditions:
Inborn genetic diseases. Identifiers: MedGen C0950123, MeSH D030342.
Retinitis pigmentosa 73 (RP73). Identifiers: Orphanet 791, MedGen C4225287, MONDO:0014687, OMIM 616544.
Mucopolysaccharidosis, MPS-III-C (MPS3C). Also called: SANFILIPPO SYNDROME C; MPS III C; MUCOPOLYSACCHARIDOSIS, TYPE IIIC; Mucopolysaccharidosis type IIIC (Sanfilippo C); mucopolysaccharidosis type 3C; MPS IIIC (Sanfilippo Syndrome Type C). Identifiers: Orphanet 581, Orphanet 79271, MedGen C0086649, MONDO:0009657, OMIM 252930.

gnomAD v4.1: 7 of 1,613,908 alleles (0.00043%); highest among the groups gnomAD compares: Non-Finnish European, 0.00025%; no homozygotes.

Submissions (2):

Ambry Genetics
Classification: Uncertain significance for Inborn genetic diseases. Last evaluated: 2025-10-07. Review status: criteria provided, single submitter. Criteria: Ambry Variant Classification Scheme 2023. Collection method: clinical testing. Allele origin: germline.

Labcorp Genetics (formerly Invitae), Labcorp
Classification: Uncertain significance for Retinitis pigmentosa 73; Mucopolysaccharidosis, MPS-III-C. Last evaluated: 2022-05-26. Review status: criteria provided, single submitter. Criteria: Invitae Variant Classification Sherloc (09022015). Collection method: clinical testing. Allele origin: germline.
Comment: This sequence change replaces valine, which is neutral and non-polar, with isoleucine, which is neutral and non-polar, at codon 85 of the HGSNAT protein (p.Val85Ile). This variant is not present in population databases (gnomAD no frequency). This variant has not been reported in the literature in individuals affected with HGSNAT-related conditions. Advanced modeling of protein sequence and biophysical properties (such as structural, functional, and spatial information, amino acid conservation, physicochemical variation, residue mobility, and thermodynamic stability) performed at Invitae indicates that this missense variant is not expected to disrupt HGSNAT protein function. In summary, the available evidence is currently insufficient to determine the role of this variant in disease. Therefore, it has been classified as a Variant of Uncertain Significance.